The following is an entry in ClinVar:

ClinVar aggregate classification (germline): Uncertain significance (1 of 4 stars; one submission).

Conditions:
Cardiovascular phenotype. Identifiers: MedGen CN230736.

Submission:

Ambry Genetics
Classification: Uncertain significance for Cardiovascular phenotype. Last evaluated: 2024-06-09. Review status: criteria provided, single submitter. Criteria: Ambry Variant Classification Scheme 2023. Collection method: clinical testing. Allele origin: germline.
Comment: The p.T1788I variant (also known as c.5363C>T), located in coding exon 21 of the AKAP9 gene, results from a C to T substitution at nucleotide position 5363. The threonine at codon 1788 is replaced by isoleucine, an amino acid with similar properties. This amino acid position is conserved. In addition, this alteration is predicted to be tolerated by in silico analysis. Based on the available evidence, the clinical significance of this variant remains unclear.

NM_005751.5(AKAP9):c.5363C>T (p.Thr1788Ile)

Gene: AKAP9 (A-kinase anchoring protein 9; plus strand). Cytogenetic location: 7q21.2.
Variant type: single nucleotide variant.
Coding change: c.5363C>T on transcript NM_005751.5 (MANE Select); coding-DNA position 5363, C replaced by T.
Protein change: p.Thr1788Ile; replaces threonine 1788 with isoleucine.
Molecular consequence: missense variant.
Genome position (GRCh38, 1-based): chr7:92,045,208, C>T. VCF-style: chr7-92045208-C-T. GRCh37 (hg19) VCF-style: chr7-91674522-C-T.
Other names: c.5363C>T, p.Thr1788Ile (NM_147185.3); short protein forms T1788I.
Identifiers: ClinVar variation 3282176 (VCV003282176.1).